The following is an entry in ClinVar:

ClinVar aggregate classification (germline): Likely benign (1 of 4 stars; one submission).

Allele frequency attached by ClinVar (database versions not stated): gnomAD exomes 0.00007; 1000 Genomes Project 30x 0.00016.
gnomAD v4.1: 77 of 1,232,246 alleles (0.0062%); highest among the groups gnomAD compares: East Asian, 0.032%; no homozygotes.

Submission:

CeGaT Center for Human Genetics Tuebingen
Classification: Likely benign. Last evaluated: 2026-07-01. Review status: criteria provided, single submitter. Criteria: CeGaT Center For Human Genetics Tuebingen Variant Classification Criteria Version 2. Collection method: clinical testing. Allele origin: germline. Affected: yes. Observed: 2 variant alleles.
Comment: GIPC3: BP4, BP7

NM_133261.3(GIPC3):c.*2039C>T

Gene: GIPC3 (GIPC PDZ domain containing family member 3; plus strand). Cytogenetic location: 19p13.3.
Variant type: single nucleotide variant.
Coding change: c.*2039C>T on transcript NM_133261.3 (MANE Select); 2039 bases downstream of the stop codon, C replaced by T.
Molecular consequence: 3 prime UTR variant. On other transcripts: synonymous variant (1).
Genome position (GRCh38, 1-based): chr19:3,592,229, C>T. VCF-style: chr19-3592229-C-T. GRCh37 (hg19) VCF-style: chr19-3592227-C-T.
Other names: c.2991C>T, p.Phe997= (NM_001411144.1).
Identifiers: ClinVar variation 2649000 (VCV002649000.24), dbSNP rs1041353376, ClinGen allele CA304418955.